The following is an entry in ClinVar:

NM_004360.5(CDH1):c.1075G>T (p.Ala359Ser)

Gene: CDH1 (cadherin 1; plus strand). Cytogenetic location: 16q22.1.
Variant type: single nucleotide variant.
Coding change: c.1075G>T on transcript NM_004360.5 (MANE Select); coding-DNA position 1075, G replaced by T.
Protein change: p.Ala359Ser; replaces alanine 359 with serine.
Molecular consequence: missense variant. On other transcripts: 5 prime UTR variant (2).
Genome position (GRCh38, 1-based): chr16:68,812,201, G>T. VCF-style: chr16-68812201-G-T. GRCh37 (hg19) VCF-style: chr16-68846104-G-T.
Other names: c.1075G>T, p.Ala359Ser (NM_001317184.2); c.-541G>T (NM_001317185.2); c.-745G>T (NM_001317186.2); short protein forms A359S.
Identifiers: ClinVar variation 1319033 (VCV001319033.7), dbSNP rs2152132614, ClinGen allele CA396460053.

ClinVar aggregate classification (germline): Uncertain significance. Review status: criteria provided, multiple submitters, no conflicts (2 of 4 stars). 3 submissions from 3 submitters: Uncertain significance (3). Last evaluated 2025-10-07.

Conditions:
Hereditary cancer-predisposing syndrome. Also called: Neoplastic Syndromes, Hereditary; Hereditary Cancer Syndrome; Tumor predisposition; Hereditary neoplastic syndrome. Identifiers: Orphanet 140162, MedGen C0027672, MeSH D009386, MONDO:0015356.
Hereditary diffuse gastric adenocarcinoma (HDGC). Also called: DIFFUSE GASTRIC AND LOBULAR BREAST CANCER SYNDROME. Identifiers: Orphanet 26106, MedGen C1708349, MONDO:0007648, OMIM 137215.

Submissions (3):

Labcorp Genetics (formerly Invitae), Labcorp
Classification: Uncertain significance for Hereditary diffuse gastric adenocarcinoma. Last evaluated: 2025-10-07. Review status: criteria provided, single submitter. Criteria: Invitae Variant Classification Sherloc (09022015). Collection method: clinical testing. Allele origin: germline.
Comment: This sequence change replaces alanine, which is neutral and non-polar, with serine, which is neutral and polar, at codon 359 of the CDH1 protein (p.Ala359Ser). This variant is not present in population databases (gnomAD no frequency). This variant has not been reported in the literature in individuals affected with CDH1-related conditions. ClinVar contains an entry for this variant (Variation ID: 1319033). An algorithm developed to predict the effect of missense changes on protein structure and function (PolyPhen-2) suggests that this variant is likely to be disruptive. In summary, the available evidence is currently insufficient to determine the role of this variant in disease. Therefore, it has been classified as a Variant of Uncertain Significance.

Ambry Genetics
Classification: Uncertain significance for Hereditary cancer-predisposing syndrome. Last evaluated: 2023-09-22. Review status: criteria provided, single submitter. Criteria: Ambry Variant Classification Scheme 2023. Collection method: clinical testing. Allele origin: germline.
Comment: The p.A359S variant (also known as c.1075G>T), located in coding exon 8 of the CDH1 gene, results from a G to T substitution at nucleotide position 1075. The alanine at codon 359 is replaced by serine, an amino acid with similar properties. This amino acid position is conserved. In addition, this alteration is predicted to be tolerated by in silico analysis. Since supporting evidence is limited at this time, the clinical significance of this alteration remains unclear.

GeneDx
Classification: Uncertain significance. Last evaluated: 2019-06-05. Review status: criteria provided, single submitter. Criteria: GeneDx Variant Classification Process June 2021. Collection method: clinical testing. Allele origin: germline. Affected: yes.
Comment: Not observed in large population cohorts (Lek et al., 2016); In silico analysis, which includes protein predictors and evolutionary conservation, supports that this variant does not alter protein structure/function; Has not been previously published as pathogenic or benign to our knowledge